The following is an entry in ClinVar:

ClinVar aggregate classification (germline): Uncertain significance. Review status: criteria provided, multiple submitters, no conflicts (2 of 4 stars). 2 submissions from 2 submitters: Uncertain significance (2). Last evaluated 2022-04-07.

Conditions:
Inborn genetic diseases. Identifiers: MedGen C0950123, MeSH D030342.

Allele frequency attached by ClinVar (database versions not stated): TOPMed 0.00002; gnomAD exomes 0.00001; gnomAD 0.00002.
gnomAD v4.1: 17 of 1,613,220 alleles (0.0011%); highest among the groups gnomAD compares: East Asian, 0.0022%; no homozygotes.

Submissions (2):

Ambry Genetics
Classification: Uncertain significance for Inborn genetic diseases. Last evaluated: 2022-04-07. Review status: criteria provided, single submitter. Criteria: Ambry Variant Classification Scheme 2023. Collection method: clinical testing. Allele origin: germline.

Labcorp Genetics (formerly Invitae), Labcorp
Classification: Uncertain significance. Last evaluated: 2022-04-01. Review status: criteria provided, single submitter. Criteria: Invitae Variant Classification Sherloc (09022015). Collection method: clinical testing. Allele origin: germline.
Comment: In summary, the available evidence is currently insufficient to determine the role of this variant in disease. Therefore, it has been classified as a Variant of Uncertain Significance. Algorithms developed to predict the effect of missense changes on protein structure and function (SIFT, PolyPhen-2, Align-GVGD) all suggest that this variant is likely to be tolerated. This variant has not been reported in the literature in individuals affected with PLG-related conditions. This variant is present in population databases (no rsID available, gnomAD 0.003%). This sequence change replaces proline, which is neutral and non-polar, with serine, which is neutral and polar, at codon 265 of the PLG protein (p.Pro265Ser).

NM_000301.5(PLG):c.793C>T (p.Pro265Ser)

Gene: PLG (plasminogen; plus strand). Cytogenetic location: 6q26.
Variant type: single nucleotide variant.
Coding change: c.793C>T on transcript NM_000301.5 (MANE Select); coding-DNA position 793, C replaced by T.
Protein change: p.Pro265Ser; replaces proline 265 with serine.
Molecular consequence: missense variant.
Genome position (GRCh38, 1-based): chr6:160,718,299, C>T. VCF-style: chr6-160718299-C-T. GRCh37 (hg19) VCF-style: chr6-161139331-C-T.
Other names: short protein forms P265S.
Identifiers: ClinVar variation 2075188 (VCV002075188.5), dbSNP rs1157597692, ClinGen allele CA366362485.